The following is an entry in ClinVar:

ClinVar aggregate classification (germline): Likely pathogenic. Review status: criteria provided, multiple submitters, no conflicts (2 of 4 stars). 4 submissions from 4 submitters: Likely pathogenic (2). 2 of the submissions do not count toward it. Last evaluated 2025-03-11.

Conditions:
BBS4-related disorder. Also called: BBS4-related condition.
Bardet-Biedl syndrome 1 (BBS1). Identifiers: MedGen C2936862, MONDO:0008854, OMIM 209900. Disease mechanism: loss of function.
Bardet-Biedl syndrome 4 (BBS4). Identifiers: Orphanet 110, MedGen C2936864, MONDO:0014433, OMIM 615982.

Allele frequency attached by ClinVar (database versions not stated): gnomAD 0.00001.
gnomAD v4.1: 3 of 1,613,410 alleles (0.00019%); highest among the groups gnomAD compares: Admixed American, 0.0017%; no homozygotes.

Submissions (4):

PreventionGenetics, part of Exact Sciences
Classification: Likely pathogenic for BBS4-related condition. Last evaluated: 2025-03-11. Review status: criteria provided, single submitter. Criteria: ACMG Guidelines, 2015. Collection method: clinical testing. Allele origin: germline.
Comment: The BBS4 c.1091C>A variant is predicted to result in the amino acid substitution p.Ala364Glu. This variant has been reported in the homozygous state, in one individual with Bardet-Biedl syndrome and in another individual with cone-rod dystrophy (Katsanis et al. 2002. PubMed ID: 12016587; Table S2 Tabelle 1, Weisschuh et al. 2020. PubMed ID: 32531858). This variant has also been reported in the heterozygous state, along with a splicing variant in BBS4, in an individual with Bardet-Biedl syndrome (Zacchia et al. 2021. PubMed ID: 33964006). Functional studies indicated that this variant disrupts BBS4 protein function (Zaghloul et al. 2010. PubMed ID: 20498079). This variant has not been reported in a large population database (gnomAD), indicating this variant is rare. This variant is interpreted as likely pathogenic.

Baylor Genetics
Classification: Likely pathogenic for Bardet-Biedl syndrome 4. Last evaluated: 2023-10-28. Review status: criteria provided, single submitter. Criteria: ACMG Guidelines, 2015. Collection method: clinical testing. Allele origin: unknown.

Advanced Center For Translational And Genetic Medicine, Ann & Robert H. Lurie Children's Hospital Of Chicago
Classification: Likely pathogenic for Bardet-Biedl syndrome 1. Last evaluated: 2023-05-10. Review status: no assertion criteria provided. Collection method: research. Allele origin: inherited. Affected: yes. Observed: 1 homozygote. Not counted in ClinVar's aggregate classification.

OMIM
Classification: Pathogenic for BARDET-BIEDL SYNDROME 4. Last evaluated: 2002-07-01. Review status: no assertion criteria provided. Collection method: literature only. Allele origin: germline. Not counted in ClinVar's aggregate classification.

Literature cited by the submitters: PubMed 12016587 (cited by OMIM).

NM_033028.5(BBS4):c.1091C>A (p.Ala364Glu)

Gene: BBS4 (Bardet-Biedl syndrome 4; plus strand). Cytogenetic location: 15q24.1.
Variant type: single nucleotide variant.
Coding change: c.1091C>A on transcript NM_033028.5 (MANE Select); coding-DNA position 1091, C replaced by A.
Protein change: p.Ala364Glu; replaces alanine 364 with glutamic acid.
Molecular consequence: missense variant. On other transcripts: non-coding transcript variant (2).
Genome position (GRCh38, 1-based): chr15:72,735,167, C>A. VCF-style: chr15-72735167-C-A. GRCh37 (hg19) VCF-style: chr15-73027508-C-A.
Other names: c.575C>A, p.Ala192Glu (NM_001252678.2); c.1022C>A, p.Ala341Glu (NM_001320665.2); c.1091C>A (NM_033028.4); short protein forms A364E, A192E, A341E.
Identifiers: ClinVar variation 9148 (VCV000009148.4), dbSNP rs28938468, ClinGen allele CA254672.